The following is an entry in ClinVar:

ClinVar aggregate classification (germline): Uncertain significance. Review status: criteria provided, multiple submitters, no conflicts (2 of 4 stars). 4 submissions from 4 submitters: Uncertain significance (4). Last evaluated 2025-05-01.

Conditions:
CANT1-related disorder. Also called: CANT1-related condition.
Inborn genetic diseases. Identifiers: MedGen C0950123, MeSH D030342.

Allele frequency attached by ClinVar (database versions not stated): gnomAD exomes 0.00001 and 0.00004; gnomAD 0.00002; TOPMed 0.00003; ExAC 0.00004.
gnomAD v4.1: 59 of 1,569,104 alleles (0.0038%); highest among the groups gnomAD compares: Non-Finnish European, 0.0043%; no homozygotes.

Submissions (4):

PreventionGenetics, part of Exact Sciences
Classification: Uncertain significance for CANT1-related condition. Last evaluated: 2025-05-01. Review status: criteria provided, single submitter. Criteria: ACMG Guidelines, 2015. Collection method: clinical testing. Allele origin: germline.
Comment: The CANT1 c.113G>A variant is predicted to result in the amino acid substitution p.Arg38His. To our knowledge, this variant has not been reported in the literature. This variant is reported in 0.0055% of alleles in individuals of East Asian descent in gnomAD. At this time, the clinical significance of this variant is uncertain due to the absence of conclusive functional and genetic evidence.

Labcorp Genetics (formerly Invitae), Labcorp
Classification: Uncertain significance. Last evaluated: 2024-11-04. Review status: criteria provided, single submitter. Criteria: Invitae Variant Classification Sherloc (09022015). Collection method: clinical testing. Allele origin: germline.
Comment: This sequence change replaces arginine, which is basic and polar, with histidine, which is basic and polar, at codon 38 of the CANT1 protein (p.Arg38His). This variant is present in population databases (rs780437071, gnomAD 0.006%). This variant has not been reported in the literature in individuals affected with CANT1-related conditions. ClinVar contains an entry for this variant (Variation ID: 281650). Invitae Evidence Modeling of protein sequence and biophysical properties (such as structural, functional, and spatial information, amino acid conservation, physicochemical variation, residue mobility, and thermodynamic stability) indicates that this missense variant is expected to disrupt CANT1 protein function with a positive predictive value of 95%. In summary, the available evidence is currently insufficient to determine the role of this variant in disease. Therefore, it has been classified as a Variant of Uncertain Significance.

Ambry Genetics
Classification: Uncertain significance for Inborn genetic diseases. Last evaluated: 2023-05-17. Review status: criteria provided, single submitter. Criteria: Ambry Variant Classification Scheme 2023. Collection method: clinical testing. Allele origin: germline.

Eurofins Ntd Llc (ga)
Classification: Uncertain significance. Last evaluated: 2015-07-07. Review status: criteria provided, single submitter. Criteria: EGL Classification Definitions 2015. Collection method: clinical testing. Allele origin: germline. Observed: 1 variant allele, 1 heterozygote.

NM_001159773.2(CANT1):c.113G>A (p.Arg38His)

Gene: CANT1 (calcium activated nucleotidase 1; minus strand). Cytogenetic location: 17q25.3.
Variant type: single nucleotide variant.
Coding change: c.113G>A on transcript NM_001159773.2 (MANE Select); coding-DNA position 113, G replaced by A.
Protein change: p.Arg38His; replaces arginine 38 with histidine.
Molecular consequence: missense variant.
Genome position (GRCh38, 1-based): chr17:78,997,510, C>T on the plus strand (G>A on the coding strand, the complement: CANT1 is on the minus strand). VCF-style: chr17-78997510-C-T. GRCh37 (hg19) VCF-style: chr17-76993592-C-T.
Other names: c.113G>A, p.Arg38His (NM_001159772.2, NM_138793.4); c.113G>A (NM_138793.3); short protein forms R38H.
Identifiers: ClinVar variation 281650 (VCV000281650.10), dbSNP rs780437071, ClinGen allele CA8808816.